The following is an entry in ClinVar:

NM_032444.4(SLX4):c.1957_1960del (p.Thr653fs)

Gene: SLX4 (SLX4 structure-specific endonuclease subunit; minus strand). Cytogenetic location: 16p13.3.
Variant type: Deletion.
Coding change: c.1957_1960del on transcript NM_032444.4 (MANE Select); coding-DNA positions 1957 to 1960, 4 bases deleted (ACTG; older notation c.1957_1960delACTG).
Protein change: p.Thr653fs; shifts the reading frame from threonine 653.
Molecular consequence: frameshift variant.
Genome position (GRCh38, 1-based): chr16:3,595,658-3,595,661, CAGT deleted on the plus strand (ACTG on the coding strand, the reverse complement: SLX4 is on the minus strand); deleting any 4 consecutive bases within chr16:3,595,658-3,595,664 gives the same sequence; the c. name uses the placement nearest the transcript's 3' end. VCF-style (leftmost placement, unchanged base first): chr16-3595657-CCAGT-C. GRCh37 (hg19) VCF-style: chr16-3645658-CCAGT-C.
Other names: short protein forms T653fs.
Identifiers: ClinVar variation 2149892 (VCV002149892.4), dbSNP rs2548217212, ClinGen allele CA2580091089.
Genomic context (GRCh38, chr16:3,595,657, plus strand): 5'-GTTCTTACCAAGGTGCGGCCGCCCCTGTCCGGGTGCTTGTCCTGCGATGGCACCACAAAC[CCAGT>C]CAGAGGAAGGCCGCCGGGCACCACGTCCAACCCTGAGTGGAGGATTCACAGGTTAAAGGA-3'

ClinVar aggregate classification (germline): Pathogenic (1 of 4 stars; one submission).

Conditions:
Fanconi anemia (FA). Also called: Fanconi's anemia. Identifiers: Orphanet 84, MedGen C0015625, MeSH D005199, MONDO:0019391.

Submission:

Labcorp Genetics (formerly Invitae), Labcorp
Classification: Pathogenic for Fanconi anemia. Last evaluated: 2025-09-13. Review status: criteria provided, single submitter. Criteria: Invitae Variant Classification Sherloc (09022015). Collection method: clinical testing. Allele origin: germline.
Comment: This sequence change creates a premature translational stop signal (p.Thr653Glyfs*37) in the SLX4 gene. It is expected to result in an absent or disrupted protein product. Loss-of-function variants in SLX4 are known to be pathogenic (PMID: 21240277). This variant is not present in population databases (gnomAD no frequency). This variant has not been reported in the literature in individuals affected with SLX4-related conditions. ClinVar contains an entry for this variant (Variation ID: 2149892). For these reasons, this variant has been classified as Pathogenic.

Literature cited by the submitters: PubMed 21240277.